The following is an entry in ClinVar:

ClinVar aggregate classification (germline): Pathogenic (1 of 4 stars; one submission).

Conditions:
Epidermolysis bullosa simplex 3, localized or generalized intermediate, with BP230 deficiency (EBS3). Also called: Epidermolysis bullosa simplex, autosomal recessive 2; Epidermolysis bullosa simplex due to BP230 deficiency. Identifiers: Orphanet 412181, MedGen C3809470, MONDO:0014180, OMIM 615425.
Hereditary sensory and autonomic neuropathy type 6. Also called: Neuropathy, hereditary sensory and autonomic, type VI; HSAN VI. Identifiers: Orphanet 314381, MedGen C3539003, MONDO:0013839, OMIM 614653.

Allele frequency attached by ClinVar (database versions not stated): gnomAD exomes below 0.00001.
gnomAD v4.1: 3 of 1,613,964 alleles (0.00019%); highest among the groups gnomAD compares: Non-Finnish European, 0.00017%; no homozygotes.

Submission:

Labcorp Genetics (formerly Invitae), Labcorp
Classification: Pathogenic for Epidermolysis bullosa simplex 3, localized or generalized intermediate, with BP230 deficiency; Hereditary sensory and autonomic neuropathy type 6. Last evaluated: 2024-02-05. Review status: criteria provided, single submitter. Criteria: Invitae Variant Classification Sherloc (09022015). Collection method: clinical testing. Allele origin: germline.
Comment: The DST gene has multiple clinically relevant transcripts. This variant occurs in alternate transcript NM_015548.4, and corresponds to NM_001723.5:c.*151836C>T in the primary transcript. This sequence change creates a premature translational stop signal (p.Arg4968*) in the DST gene. It is expected to result in an absent or disrupted protein product. Loss-of-function variants in DST are known to be pathogenic (PMID: 22522446, 25059916, 30371979). This variant is not present in population databases (gnomAD no frequency). This variant has not been reported in the literature in individuals affected with DST-related conditions. For these reasons, this variant has been classified as Pathogenic.

Literature cited by the submitters: PubMed 22522446; PubMed 25059916; PubMed 30371979.

NM_001374736.1(DST):c.22843C>T (p.Arg7615Ter)

Gene: DST (dystonin; minus strand). Cytogenetic location: 6p12.1.
Variant type: single nucleotide variant.
Coding change: c.22843C>T on transcript NM_001374736.1 (MANE Select); coding-DNA position 22843, C replaced by T.
Protein change: p.Arg7615Ter; replaces arginine 7615 with a stop codon.
Molecular consequence: nonsense.
Genome position (GRCh38, 1-based): chr6:56,463,681, G>A on the plus strand (C>T on the coding strand, the complement: DST is on the minus strand). VCF-style: chr6-56463681-G-A. GRCh37 (hg19) VCF-style: chr6-56328479-G-A.
Other names: c.16414C>T, p.Arg5472Ter (NM_001144769.5); c.16000C>T, p.Arg5334Ter (NM_001144770.2); c.22771C>T, p.Arg7591Ter (NM_001374722.1); c.21883C>T, p.Arg7295Ter (NM_001374729.1); c.15625C>T, p.Arg5209Ter (NM_001374730.1); c.22798C>T, p.Arg7600Ter (NM_001374734.1); c.14902C>T, p.Arg4968Ter (NM_015548.5); c.15880C>T, p.Arg5294Ter (NM_183380.4); short protein forms R5294*, R7295*, R7615*, R5334*, R7600*, R4968*, R5472*, R7591*.
Identifiers: ClinVar variation 971888 (VCV000971888.8), dbSNP rs948596983, ClinGen allele CA139165005.